The following is an entry in ClinVar:

NM_002474.3(MYH11):c.3342G>T (p.Arg1114=)

Gene: MYH11 (myosin heavy chain 11; minus strand). Cytogenetic location: 16p13.11.
Variant type: single nucleotide variant.
Coding change: c.3342G>T on transcript NM_002474.3 (MANE Select); coding-DNA position 3342, G replaced by T.
Protein change: p.Arg1114=; no amino-acid change (arginine 1114 retained).
Molecular consequence: synonymous variant.
Genome position (GRCh38, 1-based): chr16:15,735,530, C>A on the plus strand (G>T on the coding strand, the complement: MYH11 is on the minus strand). VCF-style: chr16-15735530-C-A. GRCh37 (hg19) VCF-style: chr16-15829387-C-A.
Other names: c.3363G>T, p.Arg1121= (NM_001040113.2, NM_001040114.2); c.3342G>T, p.Arg1114= (NM_022844.3).
Identifiers: ClinVar variation 3069219 (VCV003069219.1), dbSNP rs781053281, ClinGen allele CA493777495.

ClinVar aggregate classification (germline): Likely benign (1 of 4 stars; one submission).

Conditions:
Familial thoracic aortic aneurysm and aortic dissection (TAAD). Also called: Thoracic aortic aneurysms and dissections. Identifiers: Orphanet 91387, MedGen C4707243, MONDO:0019625.

Submission:

All of Us Research Program, National Institutes of Health
Classification: Likely benign for Familial thoracic aortic aneurysm and aortic dissection. Last evaluated: 2023-01-10. Review status: criteria provided, single submitter. Criteria: ACMG Guidelines, 2015. Collection method: clinical testing. Allele origin: germline. Inheritance: Autosomal dominant inheritance. Observed: 1 variant allele, 1 heterozygote.
Comment: This study involves interpretation of variants in research participants for the purpose of population health screening. Participant phenotype was not available at the time of variant classification. Additional details can be found in publication PMID: 35346344, PMCID: PMC8962531